The following is an entry in ClinVar:

ClinVar aggregate classification (germline): Likely pathogenic. Review status: criteria provided, multiple submitters, no conflicts (2 of 4 stars). 2 submissions from 2 submitters: Likely pathogenic (2). Last evaluated 2022-09-19.

Conditions:
SLC4A1-related disorder. Also called: SLC4A1-related disorders; SLC4A1-related condition.

Submissions (2):

Revvity Omics, Revvity
Classification: Likely pathogenic. Last evaluated: 2022-09-19. Review status: criteria provided, single submitter. Criteria: ACMG Guidelines, 2015. Collection method: clinical testing. Allele origin: germline.

Rady Children's Institute for Genomic Medicine, Rady Children's Hospital San Diego
Classification: Likely pathogenic for SLC4A1-related disorders. Review status: criteria provided, single submitter. Criteria: ACMG Guidelines, 2015. Collection method: clinical testing. Allele origin: germline. Affected: yes.
Comment: This frameshifting variant in exon 9 of 20 introduces a premature stop codon and is therefore predicted to result in loss of normal protein function through either protein truncation or nonsense-mediated mRNA decay (NMD). This variant has not been previously reported or functionally characterized in the literature to our knowledge. Loss-of-function variation in SLC4A1 has been reported in individuals with SLC4A1-related disorders (PMID: 29402830). The c.778del (p.Val260CysfsTer37) variant is absent from the gnomAD population database and thus is presumed to be rare. Based on the available evidence, the c.778del (p.Val260CysfsTer37) variant is classified as a Likely Pathogenic.

NM_000342.4(SLC4A1):c.778del (p.Val260fs)

Gene: SLC4A1 (solute carrier family 4 member 1 (Diego blood group); minus strand). Cytogenetic location: 17q21.31.
Variant type: Deletion.
Coding change: c.778del on transcript NM_000342.4 (MANE Select); coding-DNA position 778, one base deleted (G; older notation c.778delG).
Protein change: p.Val260fs; shifts the reading frame from valine 260.
Molecular consequence: frameshift variant.
Genome position (GRCh38, 1-based): chr17:44,259,261, C deleted on the plus strand (G on the coding strand, the reverse complement: SLC4A1 is on the minus strand); the first of 2 consecutive C bases (chr17:44,259,261-44,259,262); deleting either gives the same sequence. VCF-style (leftmost placement, unchanged base first): chr17-44259260-AC-A. GRCh37 (hg19) VCF-style: chr17-42336628-AC-A.
Other names: c.778del (NM_000342.3); short protein forms V260fs.
Identifiers: ClinVar variation 2433531 (VCV002433531.4), dbSNP rs2509968499, ClinGen allele CA2580093874.